The following is an entry in ClinVar:

NM_004064.5(CDKN1B):c.359G>C (p.Gly120Ala)

Gene: CDKN1B (cyclin dependent kinase inhibitor 1B; plus strand). Cytogenetic location: 12p13.1.
Variant type: single nucleotide variant.
Coding change: c.359G>C on transcript NM_004064.5 (MANE Select); coding-DNA position 359, G replaced by C.
Protein change: p.Gly120Ala; replaces glycine 120 with alanine.
Molecular consequence: missense variant.
Genome position (GRCh38, 1-based): chr12:12,718,198, G>C. VCF-style: chr12-12718198-G-C. GRCh37 (hg19) VCF-style: chr12-12871132-G-C.
Other names: short protein forms G120A.
Identifiers: ClinVar variation 1403691 (VCV001403691.10), dbSNP rs1555085598, ClinGen allele CA383970397.
Genomic context (GRCh38, chr12:12,718,198, plus strand): 5'-AGGTGCCGGCGCAGGAGAGCCAGGATGTCAGCGGGAGCCGCCCGGCGGCGCCTTTAATTG[G>C]GGCTCCGGCTAACTCTGAGGACACGCATTTGGTGGACCCAAAGACTGATCCGTCGGACAG-3'
Protein context (NP_004055.1, residues 110-130): SGSRPAAPLI[Gly120Ala]APANSEDTHL

ClinVar aggregate classification (germline): Uncertain significance. Review status: criteria provided, multiple submitters, no conflicts (2 of 4 stars). 2 submissions from 2 submitters: Uncertain significance (2). Last evaluated 2025-02-25.

Conditions:
Multiple endocrine neoplasia type 4. Also called: MULTIPLE ENDOCRINE NEOPLASIA, TYPE IV. Identifiers: Orphanet 276152, MedGen C1970712, MONDO:0012552, OMIM 610755.
Hereditary cancer-predisposing syndrome. Also called: Neoplastic Syndromes, Hereditary; Hereditary neoplastic syndrome; Hereditary Cancer Syndrome; Tumor predisposition. Identifiers: Orphanet 140162, MedGen C0027672, MeSH D009386, MONDO:0015356.

Submissions (2):

Labcorp Genetics (formerly Invitae), Labcorp
Classification: Uncertain significance for Multiple endocrine neoplasia type 4. Last evaluated: 2025-02-25. Review status: criteria provided, single submitter. Criteria: Invitae Variant Classification Sherloc (09022015). Collection method: clinical testing. Allele origin: germline.
Comment: This sequence change replaces glycine, which is neutral and non-polar, with alanine, which is neutral and non-polar, at codon 120 of the CDKN1B protein (p.Gly120Ala). This variant is not present in population databases (gnomAD no frequency). This variant has not been reported in the literature in individuals affected with CDKN1B-related conditions. ClinVar contains an entry for this variant (Variation ID: 1403691). An algorithm developed to predict the effect of missense changes on protein structure and function outputs the following: PolyPhen-2: "Benign". The alanine amino acid residue is found in multiple mammalian species, which suggests that this missense change does not adversely affect protein function. In summary, the available evidence is currently insufficient to determine the role of this variant in disease. Therefore, it has been classified as a Variant of Uncertain Significance.

Ambry Genetics
Classification: Uncertain significance for Hereditary cancer-predisposing syndrome. Last evaluated: 2022-05-19. Review status: criteria provided, single submitter. Criteria: Ambry Variant Classification Scheme 2023. Collection method: clinical testing. Allele origin: germline.
Comment: The p.G120A variant (also known as c.359G>C), located in coding exon 1 of the CDKN1B gene, results from a G to C substitution at nucleotide position 359. The glycine at codon 120 is replaced by alanine, an amino acid with similar properties. This amino acid position is conserved. In addition, this alteration is predicted to be tolerated by in silico analysis. Since supporting evidence is limited at this time, the clinical significance of this alteration remains unclear.